The following is an entry in ClinVar:

ClinVar aggregate classification (germline): Conflicting classifications of pathogenicity. Review status: criteria provided, conflicting classifications (1 of 4 stars). 9 submissions from 9 submitters: Pathogenic (3); Likely pathogenic (3); Uncertain significance (2). 1 of the submissions does not count toward it. Last evaluated 2025-09-23.

Conditions:
Mitochondrial complex I deficiency, nuclear type 17. Also called: Mitochondrial complex 1 deficiency, nuclear type 17. Identifiers: MedGen C4748786, MONDO:0032622, OMIM 618239.
Leigh syndrome (NULS). Also called: Leigh's syndrome; Leigh Disease; LEIGH SYNDROME, NUCLEAR; Leigh's necrotizing encephalopathy; Leigh's disease; Subacute necrotizing encephalopathy. Identifiers: Orphanet 506, MedGen C2931891, MONDO:0009723, OMIM 256000.

Allele frequency attached by ClinVar (database versions not stated): gnomAD 0.00003; TOPMed 0.00003; ExAC 0.00007; 1000 Genomes Project 0.00020; 1000 Genomes Project 30x 0.00031.
gnomAD v4.1: 62 of 1,613,100 alleles (0.0038%); highest among the groups gnomAD compares: East Asian, 0.074%; 2 homozygotes.

Submissions (9):

Key Laboratory of Laboratory Medicine, Ministry of Education, Wenzhou Medical University
Classification: Pathogenic for Mitochondrial complex I deficiency, nuclear type 17. Last evaluated: 2025-09-23. Review status: criteria provided, single submitter. Criteria: ACMG Guidelines, 2015. Collection method: research, in vitro. Allele origin: paternal, not applicable. Inheritance: Autosomal recessive inheritance. Affected: yes. Observed: 1 variant allele. Functional consequence: loss of function.
Comment: The NM_152416.4(NDUFAF6):c.371T>C (p.Ile124Thr) variant is a missense change located in exon 3 of the NDUFAF6 gene. This variant has been reported in individuals affected with mitochondrial complex I deficiency, nuclear type 17, including cases presenting with Leigh syndrome. This variant is absent or extremely rare in large population databases, supporting PM2. Multiple independent observations have reported this variant in the homozygous state or in trans with pathogenic variants in affected individuals, consistent with the disease mechanism. Based on ClinGen Sequence Variant Interpretation (SVI) recommendations, the cumulative genetic evidence supports upgrading PM3 to PM3_Strong. Functional studies demonstrate that this variant impairs mitochondrial complex I assembly and/or enzymatic activity, with rescue of the phenotype by wild-type but not mutant constructs, supporting a deleterious effect on protein function (PS3). Additional supporting evidence includes limited segregation data consistent with disease in affected families (PP1). Taken together, the combination of PM2 (Moderate), PM3_Strong, and PS3 (Strong) provides sufficient evidence under ACMG/AMP guidelines with ClinGen SVI specifications to classify this variant as:Pathogenic

Labcorp Genetics (formerly Invitae), Labcorp
Classification: Pathogenic. Last evaluated: 2025-03-27. Review status: criteria provided, single submitter. Criteria: Invitae Variant Classification Sherloc (09022015). Collection method: clinical testing. Allele origin: germline.
Comment: This sequence change replaces isoleucine, which is neutral and non-polar, with threonine, which is neutral and polar, at codon 124 of the NDUFAF6 protein (p.Ile124Thr). This variant is present in population databases (rs201732170, gnomAD 0.08%). This missense change has been observed in individuals with clinical features of mitochondrial complex I deficiency (PMID: 26741492, 30642748, 31967322, 32348839). It has also been observed to segregate with disease in related individuals. ClinVar contains an entry for this variant (Variation ID: 214212). Invitae Evidence Modeling of protein sequence and biophysical properties (such as structural, functional, and spatial information, amino acid conservation, physicochemical variation, residue mobility, and thermodynamic stability) indicates that this missense variant is not expected to disrupt NDUFAF6 protein function with a negative predictive value of 80%. For these reasons, this variant has been classified as Pathogenic.

GeneDx
Classification: Likely pathogenic. Last evaluated: 2025-02-07. Review status: criteria provided, single submitter. Criteria: GeneDx Variant Classification Process June 2021. Collection method: clinical testing. Allele origin: germline. Affected: yes.
Comment: In silico analysis supports that this missense variant has a deleterious effect on protein structure/function; This variant is associated with the following publications: (PMID: 26741492, 28429146, 30642748, 31967322, 32348839, 34988976, 35094435, 35664867)

3billion
Classification: Likely pathogenic for Mitochondrial complex I deficiency, nuclear type 17. Last evaluated: 2024-08-22. Review status: criteria provided, single submitter. Criteria: ACMG Guidelines, 2015. Collection method: clinical testing. Allele origin: germline. Affected: yes.
Comment: The variant is observed at an extremely low frequency in the gnomAD v4.0.0 dataset (total allele frequency: 0.004%). Predicted Consequence/Location: Missense variant In silico tool predictions suggest damaging effect of the variant on gene or gene product [3Cnet: 0.93 (>=0.6, sensitivity 0.72 and precision 0.9)]. The same nucleotide change resulting in the same amino acid change has been previously reported as pathogenic/likely pathogenic with strong evidence (ClinVar ID: VCV000214212 /PMID: 26741492). The variant has been reported to be in trans with a pathogenic variant as either compound heterozygous or homozygous in at least one similarly affected unrelated individual (PMID: 32348839). Therefore, this variant is classified as Likely pathogenic according to the recommendation of ACMG/AMP guideline.

Broad Center for Mendelian Genomics, Broad Institute of MIT and Harvard
Classification: Uncertain significance for Leigh syndrome. Last evaluated: 2018-12-03. Review status: criteria provided, single submitter. Criteria: ACMG Guidelines, 2015. Collection method: research. Allele origin: germline. Inheritance: Autosomal recessive inheritance. Affected: yes.
Comment: The homozygous p.Ile124Thr variant in NDUFAF6 was identified by our study in two siblings with Leigh syndrome. The p.Ile124Thr variant in NDUFAF6 has been reported in 2 Japanese individuals with Leigh syndrome (PMID: 26741492) and has been identified in 0.07952% (15/18862) of East Asian chromosomes and 0.01949% (6/30780) of South Asian chromosomes by the Genome Aggregation Database (gnomAD; dbSNP rs201732170). This variant has also been reported as a VUS in ClinVar (Variation ID: 214212). Although this variant has been seen in the general population, its frequency is low enough to be consistent with a recessive carrier frequency. Computational prediction tools and conservation analyses do not provide strong support for or against an impact to the protein. The presence of this variant in combination with 2 variants reported pathogenic in the literature and OMIM and in 2 individuals with Leigh syndrome increases the likelihood that the p.Ile124Thr variant is pathogenic. In summary, while there is some suspicion for a pathogenic role, the clinical significance of this variant is uncertain. ACMG/AMP Criteria applied: PM2, PM3 (Richards 2015).

Baylor Genetics
Classification: Uncertain significance for Leigh syndrome. Last evaluated: 2018-08-14. Review status: criteria provided, single submitter. Criteria: ACMG Guidelines, 2015. Collection method: clinical testing. Allele origin: unknown. Affected: yes.
Comment: This variant was determined to be of uncertain significance according to ACMG Guidelines, 2015 [PMID:25741868].

Juno Genomics, Hangzhou Juno Genomics, Inc
Classification: Pathogenic for Mitochondrial complex I deficiency, nuclear type 17. Review status: criteria provided, single submitter. Criteria: ACMG Guidelines, 2015. Collection method: clinical testing. Allele origin: germline. Affected: yes.
Comment: Absent from controls (or at extremely low frequency if recessive) in Genome Aggregation Database, Exome Sequencing Project, 1000 Genomes Project, or Exome Aggregation Consortium.;For recessive disorders, detected in trans with a pathogenic variant.;Patient's phenotype or family history is highly specific for a disease with a single genetic etiology.;Co-segregation with disease in multiple affected family members in a gene definitively known to cause the disease.

Neuberg Centre For Genomic Medicine, NCGM
Classification: Likely pathogenic for Mitochondrial complex I deficiency, nuclear type 17. Review status: criteria provided, single submitter. Criteria: ACMG Guidelines, 2015. Collection method: clinical testing. Allele origin: germline. Affected: yes. Clinical features observed: Gait disturbance (HP:0002355), Frequent falls (HP:0002359).
Comment: The missense variant p.I124T in NDUFAF6 (NM_152416.4) has been reported previously in patients affected with mitochondrial disease in compound heterozygous state (Kohda M, et al). It has been submitted to ClinVar as Variant of uncertain significance. The variant has been detected in homozygous state in two affected siblings with Leigh disease within one of the submitting labs in ClinVar. The p.I124T missense variant is predicted to be damaging by both SIFT and PolyPhen2. The nucleotide c.371 in NDUFAF6 is predicted conserved by GERP++ and PhyloP across 100 vertebrates. For these reasons, this variant has been classified as Likely Pathogenic.

OMIM
Classification: Pathogenic for MITOCHONDRIAL COMPLEX I DEFICIENCY, NUCLEAR TYPE 17. Last evaluated: 2021-04-15. Review status: no assertion criteria provided. Collection method: literature only. Allele origin: germline. Not counted in ClinVar's aggregate classification.

Literature cited by the submitters: PubMed 39720739 (cited by Key Laboratory of Laboratory Medicine, Ministry of Education, Wenzhou Medical University); PubMed 33097395 (cited by Key Laboratory of Laboratory Medicine, Ministry of Education, Wenzhou Medical University and OMIM); PubMed 26741492 (cited by 3 submitters); PubMed 30642748 (cited by Labcorp Genetics (formerly Invitae), Labcorp); PubMed 31967322 (cited by Labcorp Genetics (formerly Invitae), Labcorp); PubMed 32348839 (cited by Labcorp Genetics (formerly Invitae), Labcorp and 3billion); Kohda, M., Tokuzawa, Y., Kishita, Y., Nyuzuki, H., Moriyama, Y., Mizuno, Y., Hirata, T., Yatsuka, Y., Yamashita-Sugahara, Y., Nakachi, Y., Kato, H., Okuda, A., and 23 others A comprehensive genomic analysis reveals the genetic landscape of mitochondrial respiratory chain complex deficiencies. PLoS Genet. 12: e1005679, 2016. Note: Electronic Article. (cited by OMIM).

NM_152416.4(NDUFAF6):c.371T>C (p.Ile124Thr)

Gene: NDUFAF6 (NADH:ubiquinone oxidoreductase complex assembly factor 6; plus strand). Cytogenetic location: 8q22.1.
Variant type: single nucleotide variant.
Coding change: c.371T>C on transcript NM_152416.4 (MANE Select); coding-DNA position 371, T replaced by C.
Protein change: p.Ile124Thr; replaces isoleucine 124 with threonine.
Molecular consequence: missense variant. On other transcripts: 5 prime UTR variant (10), non-coding transcript variant (6).
Genome position (GRCh38, 1-based): chr8:95,035,527, T>C. VCF-style: chr8-95035527-T-C. GRCh37 (hg19) VCF-style: chr8-96047755-T-C.
Other names: p.I124T:ATA>ACA; c.95T>C, p.Ile32Thr (NM_001330582.2, NM_001354514.2, NM_001354515.2 and 1 more transcripts); c.215T>C, p.Ile72Thr (NM_001354516.2); c.38T>C, p.Ile13Thr (NM_001354517.2, NM_001354518.2, NM_001354519.2 and 1 more transcripts); c.-210T>C (NM_001354522.2, NM_001354529.2, NM_001354530.2 and 1 more transcripts); c.-279T>C (NM_001354524.2, NM_001354525.2, NM_001354528.2 and 1 more transcripts); c.-308T>C (NM_001354527.2, NM_001354531.2); short protein forms I124T, I32T, I72T, I13T.
Identifiers: ClinVar variation 214212 (VCV000214212.16), dbSNP rs201732170, ClinGen allele CA325074.